The following is an entry in ClinVar:

NM_016239.4(MYO15A):c.6754_6755del (p.Leu2252fs)

Gene: MYO15A (myosin XVA; plus strand). Cytogenetic location: 17p11.2.
Variant type: Deletion.
Coding change: c.6754_6755del on transcript NM_016239.4 (MANE Select); coding-DNA positions 6754 to 6755, 2 bases deleted (CT; older notation c.6754_6755delCT).
Protein change: p.Leu2252fs; shifts the reading frame from leucine 2252.
Molecular consequence: frameshift variant.
Genome position (GRCh38, 1-based): chr17:18,148,558-18,148,559, CT deleted; deleting any 2 consecutive bases within chr17:18,148,557-18,148,559 gives the same sequence; the c. name uses the placement nearest the transcript's 3' end. VCF-style (leftmost placement, unchanged base first): chr17-18148556-TTC-T. GRCh37 (hg19) VCF-style: chr17-18051870-TTC-T.
Other names: short protein forms L2252fs.
Identifiers: ClinVar variation 2707856 (VCV002707856.3), dbSNP rs2545277918, ClinGen allele CA2697559487.

ClinVar aggregate classification (germline): Pathogenic (1 of 4 stars; one submission).

Submission:

Labcorp Genetics (formerly Invitae), Labcorp
Classification: Pathogenic. Last evaluated: 2024-02-17. Review status: criteria provided, single submitter. Criteria: Invitae Variant Classification Sherloc (09022015). Collection method: clinical testing. Allele origin: germline.
Comment: This sequence change creates a premature translational stop signal (p.Leu2252Glufs*77) in the MYO15A gene. It is expected to result in an absent or disrupted protein product. Loss-of-function variants in MYO15A are known to be pathogenic (PMID: 17546645). This variant is not present in population databases (gnomAD no frequency). This variant has not been reported in the literature in individuals affected with MYO15A-related conditions. For these reasons, this variant has been classified as Pathogenic.

Literature cited by the submitters: PubMed 17546645.